The following is an entry in ClinVar:

NM_003128.3(SPTBN1):c.3863C>T (p.Ser1288Phe)

Gene: SPTBN1 (spectrin beta, non-erythrocytic 1; plus strand). Cytogenetic location: 2p16.2.
Variant type: single nucleotide variant.
Coding change: c.3863C>T on transcript NM_003128.3 (MANE Select); coding-DNA position 3863, C replaced by T.
Protein change: p.Ser1288Phe; replaces serine 1288 with phenylalanine.
Molecular consequence: missense variant.
Genome position (GRCh38, 1-based): chr2:54,642,987, C>T. VCF-style: chr2-54642987-C-T. GRCh37 (hg19) VCF-style: chr2-54870124-C-T.
Other names: c.3824C>T, p.Ser1275Phe (NM_178313.3); short protein forms S1275F, S1288F.
Identifiers: ClinVar variation 3372662 (VCV003372662.1).

ClinVar aggregate classification (germline): Uncertain significance (1 of 4 stars; one submission).

Submission:

GeneDx
Classification: Uncertain significance. Last evaluated: 2024-04-19. Review status: criteria provided, single submitter. Criteria: GeneDx Variant Classification Process June 2021. Collection method: clinical testing. Allele origin: germline. Affected: yes.
Comment: Not observed at significant frequency in large population cohorts (gnomAD); In silico analysis supports that this missense variant has a deleterious effect on protein structure/function; Has not been previously published as pathogenic or benign to our knowledge